The following is an entry in ClinVar:

ClinVar aggregate classification (germline): Uncertain significance. Review status: criteria provided, multiple submitters, no conflicts (2 of 4 stars). 2 submissions from 2 submitters: Uncertain significance (2). Last evaluated 2022-10-07.

Allele frequency attached by ClinVar (database versions not stated): ExAC 0.00005; gnomAD exomes 0.00008; ESP Exome Variant Server 0.00009; TOPMed 0.00012; gnomAD 0.00013 and 0.00014.
gnomAD v4.1: 378 of 1,613,982 alleles (0.023%); highest among the groups gnomAD compares: Non-Finnish European, 0.03%; no homozygotes.

Submissions (2):

Labcorp Genetics (formerly Invitae), Labcorp
Classification: Uncertain significance. Last evaluated: 2022-10-07. Review status: criteria provided, single submitter. Criteria: Invitae Variant Classification Sherloc (09022015). Collection method: clinical testing. Allele origin: germline.
Comment: This sequence change replaces isoleucine, which is neutral and non-polar, with leucine, which is neutral and non-polar, at codon 1215 of the CEP152 protein (p.Ile1215Leu). This variant is present in population databases (rs376454351, gnomAD 0.02%). This variant has not been reported in the literature in individuals affected with CEP152-related conditions. ClinVar contains an entry for this variant (Variation ID: 1507959). Advanced modeling of protein sequence and biophysical properties (such as structural, functional, and spatial information, amino acid conservation, physicochemical variation, residue mobility, and thermodynamic stability) performed at Invitae indicates that this missense variant is not expected to disrupt CEP152 protein function. In summary, the available evidence is currently insufficient to determine the role of this variant in disease. Therefore, it has been classified as a Variant of Uncertain Significance.

Breakthrough Genomics
Classification: Uncertain significance. Review status: criteria provided, single submitter. Criteria: ACMG Guidelines, 2015. Collection method: not provided. Allele origin: germline. Inheritance: Autosomal recessive inheritance. Affected: yes.

NM_001194998.2(CEP152):c.3811A>C (p.Ile1271Leu)

Gene: CEP152 (centrosomal protein 152; minus strand). Cytogenetic location: 15q21.1.
Variant type: single nucleotide variant.
Coding change: c.3811A>C on transcript NM_001194998.2 (MANE Select); coding-DNA position 3811, A replaced by C.
Protein change: p.Ile1271Leu; replaces isoleucine 1271 with leucine.
Molecular consequence: missense variant.
Genome position (GRCh38, 1-based): chr15:48,744,264, T>G on the plus strand (A>C on the coding strand, the complement: CEP152 is on the minus strand). VCF-style: chr15-48744264-T-G. GRCh37 (hg19) VCF-style: chr15-49036461-T-G.
Other names: c.3643A>C, p.Ile1215Leu (NM_014985.4); short protein forms I1271L, I1215L.
Identifiers: ClinVar variation 1507959 (VCV001507959.6), dbSNP rs376454351, ClinGen allele CA7548267.
Genomic context (GRCh38, chr15:48,744,264, plus strand): 5'-CCAAGCCATCCTTAAAATCTTCAGAATTAAACTTACATTTAATTTTTTTTACAGCTTTAA[T>G]GTACTGCCCACGAAGTTCTTCCAAGGCTCCCCCACTGCATGGCAGGCAAGCATTTTCAAT-3'
Protein context (NP_001181927.1, residues 1261-1281): GALEELRGQY[Ile1271Leu]KAVKKIKCDM